The following is an entry in ClinVar:

NM_002291.3(LAMB1):c.5224+5G>C

Gene: LAMB1 (laminin subunit beta 1; minus strand). Cytogenetic location: 7q31.1.
Variant type: single nucleotide variant.
Coding change: c.5224+5G>C on transcript NM_002291.3 (MANE Select); 5 bases into the intron after coding-DNA position 5224, G replaced by C.
Molecular consequence: intron variant.
Genome position (GRCh38, 1-based): chr7:107,924,225, C>G on the plus strand (G>C on the coding strand, the complement: LAMB1 is on the minus strand). VCF-style: chr7-107924225-C-G. GRCh37 (hg19) VCF-style: chr7-107564670-C-G.
Identifiers: ClinVar variation 3658660 (VCV003658660.2).

ClinVar aggregate classification (germline): Uncertain significance (1 of 4 stars; one submission).

Submission:

Labcorp Genetics (formerly Invitae), Labcorp
Classification: Uncertain significance. Last evaluated: 2024-07-10. Review status: criteria provided, single submitter. Criteria: Invitae Variant Classification Sherloc (09022015). Collection method: clinical testing. Allele origin: germline.
Comment: This sequence change falls in intron 33 of the LAMB1 gene. It does not directly change the encoded amino acid sequence of the LAMB1 protein. It affects a nucleotide within the consensus splice site. This variant is not present in population databases (gnomAD no frequency). This variant has not been reported in the literature in individuals affected with LAMB1-related conditions. Variants that disrupt the consensus splice site are a relatively common cause of aberrant splicing (PMID: 17576681, 9536098). Algorithms developed to predict the effect of sequence changes on RNA splicing suggest that this variant may disrupt the consensus splice site. In summary, the available evidence is currently insufficient to determine the role of this variant in disease. Therefore, it has been classified as a Variant of Uncertain Significance.

Literature cited by the submitters: PubMed 17576681; PubMed 9536098.